The following is an entry in ClinVar:

ClinVar aggregate classification (germline): Uncertain significance. Review status: criteria provided, multiple submitters, no conflicts (2 of 4 stars). 2 submissions from 2 submitters: Uncertain significance (2). Last evaluated 2026-03-12.

Conditions:
CNTNAP2-related disorder. Also called: CNTNAP2-related condition.
Cortical dysplasia-focal epilepsy syndrome (PTHSL1). Also called: Pitt-Hopkins-like syndrome 1. Identifiers: Orphanet 163681, Orphanet 221150, MedGen C2750246, MONDO:0012400, OMIM 610042.

Allele frequency attached by ClinVar (database versions not stated): gnomAD exomes below 0.00001; ESP Exome Variant Server 0.00008; gnomAD 0.00008; TOPMed 0.00008; 1000 Genomes Project 30x 0.00016; 1000 Genomes Project 0.00020.
gnomAD v4.1: 14 of 1,614,178 alleles (0.00087%); highest among the groups gnomAD compares: African/African-American, 0.019%; no homozygotes.

Submissions (2):

PreventionGenetics, part of Exact Sciences
Classification: Uncertain significance for CNTNAP2-related condition. Last evaluated: 2026-03-12. Review status: criteria provided, single submitter. Criteria: ACMG Guidelines, 2015. Collection method: clinical testing. Allele origin: germline.
Comment: The CNTNAP2 c.282G>T variant is predicted to result in the amino acid substitution p.Gln94His. To our knowledge, this variant has not been reported in the literature. This variant is reported in 0.020% of alleles in individuals of African descent in gnomAD. At this time, the clinical significance of this variant is uncertain due to the absence of conclusive functional and genetic evidence.

Labcorp Genetics (formerly Invitae), Labcorp
Classification: Uncertain significance for Cortical dysplasia-focal epilepsy syndrome. Last evaluated: 2022-09-06. Review status: criteria provided, single submitter. Criteria: Invitae Variant Classification Sherloc (09022015). Collection method: clinical testing. Allele origin: germline.
Comment: This sequence change replaces glutamine, which is neutral and polar, with histidine, which is basic and polar, at codon 94 of the CNTNAP2 protein (p.Gln94His). This variant is present in population databases (rs142185444, gnomAD 0.02%). This variant has not been reported in the literature in individuals affected with CNTNAP2-related conditions. ClinVar contains an entry for this variant (Variation ID: 842375). Algorithms developed to predict the effect of missense changes on protein structure and function are either unavailable or do not agree on the potential impact of this missense change (SIFT: "Deleterious"; PolyPhen-2: "Probably Damaging"; Align-GVGD: "Class C0"). In summary, the available evidence is currently insufficient to determine the role of this variant in disease. Therefore, it has been classified as a Variant of Uncertain Significance.

NM_014141.6(CNTNAP2):c.282G>T (p.Gln94His)

Gene: CNTNAP2 (contactin associated protein 2; plus strand). Cytogenetic location: 7q35.
Variant type: single nucleotide variant.
Coding change: c.282G>T on transcript NM_014141.6 (MANE Select); coding-DNA position 282, G replaced by T.
Protein change: p.Gln94His; replaces glutamine 94 with histidine.
Molecular consequence: missense variant.
Genome position (GRCh38, 1-based): chr7:146,839,784, G>T. VCF-style: chr7-146839784-G-T. GRCh37 (hg19) VCF-style: chr7-146536876-G-T.
Other names: short protein forms Q94H.
Identifiers: ClinVar variation 842375 (VCV000842375.6), dbSNP rs142185444, ClinGen allele CA4545740.
Genomic context (GRCh38, chr7:146,839,784, plus strand): 5'-GTCTCCATCAGACAGCGACCATTATCAATGGCTTCAGGTTGACTTTGGCAATCGGAAGCA[G>T]ATCAGTGCCATTGCAACCCAAGGAAGGTATAGCAGCTCAGATTGGGTGACCCAATACCGG-3'
Protein context (NP_054860.1, residues 84-104): WLQVDFGNRK[Gln94His]ISAIATQGRY